The following is an entry in ClinVar:

NM_001009944.3(PKD1):c.7499A>T (p.Asp2500Val)

Gene: PKD1 (polycystin 1, transient receptor potential channel interacting; minus strand). Cytogenetic location: 16p13.3.
Variant type: single nucleotide variant.
Coding change: c.7499A>T on transcript NM_001009944.3 (MANE Select); coding-DNA position 7499, A replaced by T.
Protein change: p.Asp2500Val; replaces aspartic acid 2500 with valine.
Molecular consequence: missense variant.
Genome position (GRCh38, 1-based): chr16:2,106,295, T>A on the plus strand (A>T on the coding strand, the complement: PKD1 is on the minus strand). VCF-style: chr16-2106295-T-A. GRCh37 (hg19) VCF-style: chr16-2156296-T-A.
Other names: c.7499A>T, p.Asp2500Val (NM_000296.4); short protein forms D2500V.
Identifiers: ClinVar variation 811201 (VCV000811201.8), dbSNP rs1596540533, ClinGen allele CA394369173.

ClinVar aggregate classification (germline): Uncertain significance (1 of 4 stars; one submission).

Conditions:
Polycystic kidney disease, adult type (PKD1). Also called: POLYCYSTIC KIDNEY DISEASE 1 WITH OR WITHOUT POLYCYSTIC LIVER DISEASE; POLYCYSTIC KIDNEY DISEASE, ADULT, TYPE I; Polycystic Kidney, Autosomal Dominant; Polycystic Kidney Disease 1, Autosomal Dominant; Polycystic kidney disease 1; Polycystic kidney disease 1, severe. Identifiers: MedGen C3149841, MONDO:0008263, OMIM 173900.

Submission:

ARUP Laboratories, Molecular Genetics and Genomics, ARUP Laboratories
Classification: Uncertain significance for Polycystic kidney disease, adult type. Last evaluated: 2018-11-12. Review status: criteria provided, single submitter. Criteria: ARUP Molecular Germline Variant Investigation Process. Collection method: clinical testing. Allele origin: germline.
Comment: The PKD1 c.7499A>T; p.Asp2500Val variant, to our knowledge, is not reported in the medical literature or gene specific databases. This variant is also absent from general population databases (1000 Genomes Project, Exome Variant Server, and Genome Aggregation Database), indicating it is not a common polymorphism. The aspartic acid at codon 2500 is highly conserved, and computational analyses (SIFT, PolyPhen-2) predict that this variant is deleterious. Due to limited information, the clinical significance of the p.Asp2500Val variant is uncertain at this time.